The following is an entry in ClinVar:

NM_000264.5(PTCH1):c.4129G>A (p.Val1377Met)

Gene: PTCH1 (patched 1; minus strand). Cytogenetic location: 9q22.32.
Variant type: single nucleotide variant.
Coding change: c.4129G>A on transcript NM_000264.5 (MANE Select); coding-DNA position 4129, G replaced by A.
Protein change: p.Val1377Met; replaces valine 1377 with methionine.
Molecular consequence: missense variant. On other transcripts: non-coding transcript variant (1).
Genome position (GRCh38, 1-based): chr9:95,447,127, C>T on the plus strand (G>A on the coding strand, the complement: PTCH1 is on the minus strand). VCF-style: chr9-95447127-C-T. GRCh37 (hg19) VCF-style: chr9-98209409-C-T.
Other names: c.3931G>A, p.Val1311Met (NM_001083602.3); c.4126G>A, p.Val1376Met (NM_001083603.3); c.3676G>A, p.Val1226Met (NM_001083604.3, NM_001083605.3, NM_001083606.3 and 1 more transcripts); c.3973G>A, p.Val1325Met (NM_001354918.2); short protein forms V1226M, V1376M, V1311M, V1325M, V1377M.
Identifiers: ClinVar variation 638918 (VCV000638918.15), dbSNP rs745337014, ClinGen allele CA5137947.
Genomic context (GRCh38, chr9:95,447,127, plus strand): 5'-GTCCCCCTCGGGGGTTCCGCCCAGGCCCAGGGACAGGCGGCGGGTGCACGGCGACAGTCA[C>T]GGAGGCAGAAGCCGTCACAGTGGTGATGGGCTGGCAGTAGCCGGGCACGGAGCTGCCCAT-3'
Protein context (NP_000255.2, residues 1367-1387): PITTVTASAS[Val1377Met]TVAVHPPPVP

ClinVar aggregate classification (germline): Uncertain significance. Review status: criteria provided, multiple submitters, no conflicts (2 of 4 stars). 4 submissions from 4 submitters: Uncertain significance (4). Last evaluated 2025-12-01.

Conditions:
Hereditary cancer-predisposing syndrome. Also called: Neoplastic Syndromes, Hereditary; Hereditary Cancer Syndrome; Tumor predisposition; Hereditary neoplastic syndrome. Identifiers: Orphanet 140162, MedGen C0027672, MeSH D009386, MONDO:0015356.
Gorlin syndrome. Also called: Nevoid Basal Cell Carcinoma Syndrome; Basal cell nevus syndrome. Identifiers: Orphanet 377, MedGen C0004779, MONDO:0007187.
Basal cell carcinoma, susceptibility to, 1. Also called: BCC1. Identifiers: MedGen C2751544, MONDO:0011556, OMIM 605462.

Allele frequency attached by ClinVar (database versions not stated): gnomAD exomes 0.00001; ExAC 0.00002; gnomAD 0.00002; TOPMed 0.00002.
gnomAD v4.1: 30 of 1,613,106 alleles (0.0019%); highest among the groups gnomAD compares: East Asian, 0.0045%; no homozygotes.

Submissions (4):

CeGaT Center for Human Genetics Tuebingen
Classification: Uncertain significance. Last evaluated: 2025-12-01. Review status: criteria provided, single submitter. Criteria: CeGaT Center For Human Genetics Tuebingen Variant Classification Criteria Version 2. Collection method: clinical testing. Allele origin: germline. Affected: yes. Observed: 1 variant allele.
Comment: PTCH1: PP3

Labcorp Genetics (formerly Invitae), Labcorp
Classification: Uncertain significance for Gorlin syndrome. Last evaluated: 2025-10-02. Review status: criteria provided, single submitter. Criteria: Invitae Variant Classification Sherloc (09022015). Collection method: clinical testing. Allele origin: germline.
Comment: This sequence change replaces valine, which is neutral and non-polar, with methionine, which is neutral and non-polar, at codon 1377 of the PTCH1 protein (p.Val1377Met). This variant is present in population databases (rs745337014, gnomAD 0.007%). This variant has not been reported in the literature in individuals affected with PTCH1-related conditions. ClinVar contains an entry for this variant (Variation ID: 638918). Invitae Evidence Modeling of protein sequence and biophysical properties (such as structural, functional, and spatial information, amino acid conservation, physicochemical variation, residue mobility, and thermodynamic stability) has been performed for this missense variant. However, the output from this modeling did not meet the statistical confidence thresholds required to predict the impact of this variant on PTCH1 protein function. In summary, the available evidence is currently insufficient to determine the role of this variant in disease. Therefore, it has been classified as a Variant of Uncertain Significance.

Ambry Genetics
Classification: Uncertain significance for Hereditary cancer-predisposing syndrome. Last evaluated: 2024-12-15. Review status: criteria provided, single submitter. Criteria: Ambry Variant Classification Scheme 2023. Collection method: clinical testing. Allele origin: germline.
Comment: The p.V1377M variant (also known as c.4129G>A), located in coding exon 23 of the PTCH1 gene, results from a G to A substitution at nucleotide position 4129. The valine at codon 1377 is replaced by methionine, an amino acid with highly similar properties. This amino acid position is highly conserved in available vertebrate species. In addition, this alteration is predicted to be deleterious by in silico analysis. Since supporting evidence is limited at this time, the clinical significance of this alteration remains unclear.

Baylor Genetics
Classification: Uncertain significance for Basal cell carcinoma, susceptibility to, 1. Last evaluated: 2023-09-02. Review status: criteria provided, single submitter. Criteria: ACMG Guidelines, 2015. Collection method: clinical testing. Allele origin: unknown.